The following is an entry in ClinVar:

ClinVar aggregate classification (germline): Uncertain significance (1 of 4 stars; one submission).

Conditions:
EP300-related disorder. Also called: EP300-related condition; EP300-related disorders.

gnomAD v4.1: 3 of 1,614,232 alleles (0.00019%); highest among the groups gnomAD compares: Middle Eastern, 0.016%; no homozygotes.

Submission:

PreventionGenetics, part of Exact Sciences
Classification: Uncertain significance for EP300-related condition. Last evaluated: 2026-09-23. Review status: criteria provided, single submitter. Criteria: ACMG Guidelines, 2015. Collection method: clinical testing. Allele origin: germline.
Comment: The EP300 c.181A>G variant is predicted to result in the amino acid substitution p.Ile61Val. To our knowledge, this variant has not been reported in the literature. This variant is reported in 0.0029% of alleles in individuals of Latino descent in gnomAD. At this time, the clinical significance of this variant is uncertain due to the absence of conclusive functional and genetic evidence.

NM_001429.4(EP300):c.181A>G (p.Ile61Val)

Gene: EP300 (EP300 lysine acetyltransferase; plus strand). Cytogenetic location: 22q13.2.
Variant type: single nucleotide variant.
Coding change: c.181A>G on transcript NM_001429.4 (MANE Select); coding-DNA position 181, A replaced by G.
Protein change: p.Ile61Val; replaces isoleucine 61 with valine.
Molecular consequence: missense variant.
Genome position (GRCh38, 1-based): chr22:41,117,273, A>G. VCF-style: chr22-41117273-A-G. GRCh37 (hg19) VCF-style: chr22-41513277-A-G.
Other names: c.181A>G, p.Ile61Val (NM_001362843.2); short protein forms I61V.
Identifiers: ClinVar variation 4984414 (VCV004984414.1).